The following is an entry in ClinVar:

ClinVar aggregate classification (germline): Uncertain significance (1 of 4 stars; one submission).

Conditions:
Monogenic diabetes. Identifiers: Orphanet 183625, MedGen C3888631, MONDO:0015967.

Submission:

Personalized Diabetes Medicine Program, University of Maryland School of Medicine
Classification: Uncertain significance for Monogenic diabetes. Last evaluated: 2017-12-01. Review status: criteria provided, single submitter. Criteria: ACMG Guidelines, 2015. Collection method: research. Allele origin: unknown. Observed: 1 variant allele, 1 heterozygote. Study: Personalized Diabetes Medicine Program.
Comment: ACMG Criteria: (NOTE: this 2bp variant could be represented as two individual SNPs rs143244920 and rs138994150 that seem to co-segregate 48 times in ExAC, Provean predicts deleterious and PolyPhen predicts tolearated)

NM_006412.4(AGPAT2):c.646_647= (p.Lys216=)

Gene: AGPAT2 (1-acylglycerol-3-phosphate O-acyltransferase 2; minus strand). Cytogenetic location: 9q34.3.
Variant type: Indel.
Coding change: c.646_647= on transcript NM_006412.4 (MANE Select); coding-DNA positions 646 to 647, no change from the reference sequence.
Protein change: p.Lys216=; no amino-acid change (lysine 216 retained).
Molecular consequence: no sequence alteration.
Genome position: GRCh38 VCF-style: chr9-136674749-TT-TT. GRCh37 (hg19) VCF-style: chr9-139569201-TT-TT.
Other names: c.550_551=, p.Lys184= (NM_001012727.2).
Identifiers: ClinVar variation 549534 (VCV000549534.2).